The following is an entry in ClinVar:

ClinVar aggregate classification (germline): Uncertain significance. Review status: criteria provided, multiple submitters, no conflicts (2 of 4 stars). 2 submissions from 2 submitters: Uncertain significance (2). Last evaluated 2023-07-21.

Conditions:
Peroxisome biogenesis disorder, complementation group K (CGK). Identifiers: MedGen C1866257, MONDO:0800365.

Allele frequency attached by ClinVar (database versions not stated): ExAC 0.00001; gnomAD 0.00001 and 0.00002; gnomAD exomes 0.00002 and 0.00003; TOPMed 0.00003.
gnomAD v4.1: 47 of 1,594,132 alleles (0.0029%); highest among the groups gnomAD compares: Non-Finnish European, 0.0039%; no homozygotes.

Submissions (2):

Labcorp Genetics (formerly Invitae), Labcorp
Classification: Uncertain significance for Peroxisome biogenesis disorder, complementation group K. Last evaluated: 2023-07-21. Review status: criteria provided, single submitter. Criteria: Invitae Variant Classification Sherloc (09022015). Collection method: clinical testing. Allele origin: germline.
Comment: This sequence change replaces lysine, which is basic and polar, with glutamine, which is neutral and polar, at codon 55 of the PEX14 protein (p.Lys55Gln). This variant is present in population databases (rs753472251, gnomAD 0.004%). This variant has not been reported in the literature in individuals affected with PEX14-related conditions. ClinVar contains an entry for this variant (Variation ID: 499476). Advanced modeling of protein sequence and biophysical properties (such as structural, functional, and spatial information, amino acid conservation, physicochemical variation, residue mobility, and thermodynamic stability) performed at Invitae indicates that this missense variant is expected to disrupt PEX14 protein function. In summary, the available evidence is currently insufficient to determine the role of this variant in disease. Therefore, it has been classified as a Variant of Uncertain Significance.

Eurofins Ntd Llc (ga)
Classification: Uncertain significance. Last evaluated: 2016-12-28. Review status: criteria provided, single submitter. Criteria: EGL Classification Definitions 2015. Collection method: clinical testing. Allele origin: germline. Observed: 1 variant allele, 1 heterozygote.

NM_004565.3(PEX14):c.163A>C (p.Lys55Gln)

Gene: PEX14 (peroxisomal biogenesis factor 14; plus strand). Cytogenetic location: 1p36.22.
Variant type: single nucleotide variant.
Coding change: c.163A>C on transcript NM_004565.3 (MANE Select); coding-DNA position 163, A replaced by C.
Protein change: p.Lys55Gln; replaces lysine 55 with glutamine.
Molecular consequence: missense variant.
Genome position (GRCh38, 1-based): chr1:10,536,291, A>C. VCF-style: chr1-10536291-A-C. GRCh37 (hg19) VCF-style: chr1-10596348-A-C.
Other names: short protein forms K55Q.
Identifiers: ClinVar variation 499476 (VCV000499476.11), dbSNP rs753472251, ClinGen allele CA583726.